The following is an entry in ClinVar:

ClinVar aggregate classification (germline): Uncertain significance (1 of 4 stars; one submission).

Conditions:
Hereditary cancer-predisposing syndrome. Also called: Neoplastic Syndromes, Hereditary; Tumor predisposition; Hereditary Cancer Syndrome; Hereditary neoplastic syndrome. Identifiers: Orphanet 140162, MedGen C0027672, MeSH D009386, MONDO:0015356.

Submission:

Ambry Genetics
Classification: Uncertain significance for Hereditary cancer-predisposing syndrome. Last evaluated: 2020-12-09. Review status: criteria provided, single submitter. Criteria: Ambry Variant Classification Scheme 2023. Collection method: clinical testing. Allele origin: germline.
Comment: The p.V170L variant (also known as c.508G>T), located in coding exon 7 of the MUTYH gene, results from a G to T substitution at nucleotide position 508. The valine at codon 170 is replaced by leucine, an amino acid with highly similar properties. This amino acid position is highly conserved in available vertebrate species. In addition, this alteration is predicted to be tolerated by in silico analysis. Since supporting evidence is limited at this time, the clinical significance of this alteration remains unclear.

NM_001048174.2(MUTYH):c.424G>T (p.Val142Leu)

Gene: MUTYH (mutY DNA glycosylase; minus strand). Cytogenetic location: 1p34.1.
Variant type: single nucleotide variant.
Coding change: c.424G>T on transcript NM_001048174.2 (MANE Select); coding-DNA position 424, G replaced by T.
Protein change: p.Val142Leu; replaces valine 142 with leucine.
Molecular consequence: missense variant. On other transcripts: non-coding transcript variant (2).
Genome position (GRCh38, 1-based): chr1:45,332,831, C>A on the plus strand (G>T on the coding strand, the complement: MUTYH is on the minus strand). VCF-style: chr1-45332831-C-A. GRCh37 (hg19) VCF-style: chr1-45798503-C-A.
Other names: c.424G>T, p.Val142Leu (NM_001048171.2, NM_001048173.2, NM_001293195.2); c.427G>T, p.Val143Leu (NM_001048172.2); c.508G>T, p.Val170Leu (NM_001128425.2); c.469G>T, p.Val157Leu (NM_001293190.2); c.457G>T, p.Val153Leu (NM_001293191.2); c.148G>T, p.Val50Leu (NM_001293192.2, NM_001293196.2); c.79G>T, p.Val27Leu (NM_001350650.2, NM_001350651.2); c.499G>T, p.Val167Leu (NM_012222.3); short protein forms V170L, V142L, V143L, V27L, V50L, V153L, V157L, V167L.
Identifiers: ClinVar variation 186777 (VCV000186777.5), dbSNP rs786203212, ClinGen allele CA013711.
Genomic context (GRCh38, chr1:45,332,831, plus strand): 5'-CTCCCTCCTGCAGCCGCCGGCCACGAGAATAGTAGCCCAGGCCAGCCCAGAGTTGATTCA[C>A]CTCCTGTGGGTAGGATCAGAGGTCAAAGAGATCACCCGTCAGTCCCTCTATTGTTCCTAT-3'
Protein context (NP_001041639.1, residues 132-152): QDLASASLEE[Val142Leu]NQLWAGLGYY